The following is an entry in ClinVar:

ClinVar aggregate classification (germline): Uncertain significance (1 of 4 stars; one submission).

Conditions:
Hereditary cancer-predisposing syndrome. Also called: Tumor predisposition; Hereditary neoplastic syndrome; Hereditary Cancer Syndrome; Neoplastic Syndromes, Hereditary. Identifiers: Orphanet 140162, MedGen C0027672, MeSH D009386, MONDO:0015356.

Submission:

Ambry Genetics
Classification: Uncertain significance for Hereditary cancer-predisposing syndrome. Last evaluated: 2025-05-19. Review status: criteria provided, single submitter. Criteria: Ambry Variant Classification Scheme 2023. Collection method: clinical testing. Allele origin: germline.
Comment: The p.N877D variant (also known as c.2629A>G), located in coding exon 22 of the TSC2 gene, results from an A to G substitution at nucleotide position 2629. The asparagine at codon 877 is replaced by aspartic acid, an amino acid with highly similar properties. This amino acid position is conserved. In addition, the in silico prediction for this alteration is inconclusive. Based on the available evidence, the clinical significance of this variant remains unclear.

NM_000548.5(TSC2):c.2629A>G (p.Asn877Asp)

Gene: TSC2 (TSC complex subunit 2; plus strand). Cytogenetic location: 16p13.3.
Variant type: single nucleotide variant.
Coding change: c.2629A>G on transcript NM_000548.5 (MANE Select); coding-DNA position 2629, A replaced by G.
Protein change: p.Asn877Asp; replaces asparagine 877 with aspartic acid.
Molecular consequence: missense variant. On other transcripts: non-coding transcript variant (5).
Genome position (GRCh38, 1-based): chr16:2,075,882, A>G. VCF-style: chr16-2075882-A-G. GRCh37 (hg19) VCF-style: chr16-2125883-A-G.
Other names: c.2518A>G, p.Asn840Asp (NM_001406670.1, NM_001406678.1, NM_001318827.2); c.2617A>G, p.Asn873Asp (NM_001406671.1, NM_001406673.1); c.2482A>G, p.Asn828Asp (NM_001406675.1, NM_001406676.1, NM_001406679.1 and 1 more transcripts); c.2572A>G, p.Asn858Asp (NM_001406677.1); c.2029A>G, p.Asn677Asp (NM_001406680.1, NM_001318831.2, NM_001406682.1 and 6 more transcripts); c.2629A>G, p.Asn877Asp (NM_001077183.3, NM_001114382.3, NM_001363528.2 and 6 more transcripts); c.2662A>G, p.Asn888Asp (NM_001318832.2); c.2719A>G, p.Asn907Asp (NM_001406667.1, NM_001406668.1); and 3 more; short protein forms N343D, N840D, N858D, N907D, N677D, N723D, N828D, N873D.
Identifiers: ClinVar variation 3974684 (VCV003974684.1).